The following is an entry in ClinVar:

NM_000059.4(BRCA2):c.4016G>T (p.Ser1339Ile)

Gene: BRCA2 (BRCA2 DNA repair associated; plus strand). Cytogenetic location: 13q13.1.
Variant type: single nucleotide variant.
Coding change: c.4016G>T on transcript NM_000059.4 (MANE Select); coding-DNA position 4016, G replaced by T.
Protein change: p.Ser1339Ile; replaces serine 1339 with isoleucine.
Molecular consequence: missense variant.
Genome position (GRCh38, 1-based): chr13:32,338,371, G>T. VCF-style: chr13-32338371-G-T. GRCh37 (hg19) VCF-style: chr13-32912508-G-T.
Other names: c.4016G>T, p.Ser1339Ile (NM_001406719.1, NM_001406720.1); short protein forms S1339I.
Identifiers: ClinVar variation 1737064 (VCV001737064.4), dbSNP rs2137502105, ClinGen allele CA387779031.

ClinVar aggregate classification (germline): Conflicting classifications of pathogenicity. Review status: criteria provided, conflicting classifications (1 of 4 stars). 2 submissions from 2 submitters: Uncertain significance (1); Likely benign (1). Last evaluated 2023-03-23.

Conditions:
Hereditary cancer-predisposing syndrome. Also called: Neoplastic Syndromes, Hereditary; Tumor predisposition; Hereditary Cancer Syndrome; Hereditary neoplastic syndrome. Identifiers: Orphanet 140162, MedGen C0027672, MeSH D009386, MONDO:0015356.

Submissions (2):

University of Washington Department of Laboratory Medicine, University of Washington
Classification: Likely benign for Hereditary cancer-predisposing syndrome. Last evaluated: 2023-03-23. Review status: criteria provided, single submitter. Criteria: Dines et al. (Genet Med. 2020). Collection method: curation. Allele origin: germline.
Comment: Missense variant in a coldspot region where missense variants are very unlikely to be pathogenic (PMID:31911673).

BRCA2 exon 11 coldspot. Reclassification based on statistical prior probability.

Ambry Genetics
Classification: Uncertain significance for Hereditary cancer-predisposing syndrome. Last evaluated: 2020-03-17. Review status: criteria provided, single submitter. Criteria: Ambry Variant Classification Scheme 2023. Collection method: clinical testing. Allele origin: germline.
Comment: The p.S1339I variant (also known as c.4016G>T), located in coding exon 10 of the BRCA2 gene, results from a G to T substitution at nucleotide position 4016. The serine at codon 1339 is replaced by isoleucine, an amino acid with dissimilar properties. This amino acid position is not well conserved in available vertebrate species. In addition, this alteration is predicted to be tolerated by in silico analysis. Since supporting evidence is limited at this time, the clinical significance of this alteration remains unclear.